The following is an entry in ClinVar:

ClinVar aggregate classification (germline): Likely pathogenic. Review status: criteria provided, multiple submitters, no conflicts (2 of 4 stars). 7 submissions from 6 submitters: Likely pathogenic (7). Last evaluated 2024-11-14.

Conditions:
Cardiovascular phenotype. Identifiers: MedGen CN230736.
Autosomal recessive limb-girdle muscular dystrophy type 2J (LGMDR10). Also called: Limb-girdle muscular dystrophy, type 2J; MUSCULAR DYSTROPHY, LIMB-GIRDLE, AUTOSOMAL RECESSIVE 10. Identifiers: Orphanet 140922, MedGen C1837342, MONDO:0012127, OMIM 608807.
Dilated cardiomyopathy 1G (CMD1G). Identifiers: Orphanet 154, MedGen C1858763, MONDO:0011400, OMIM 604145.
Primary dilated cardiomyopathy (DCM). Also called: Dilated Cardiomyopathy. Identifiers: Orphanet 217604, MedGen C0007193, MeSH D002311, MONDO:0005021, HP:0001644. Inheritance: Various modes of inheritance.

Submissions (7):

GeneDx
Classification: Likely pathogenic. Last evaluated: 2024-11-14. Review status: criteria provided, single submitter. Criteria: GeneDx Variant Classification Process June 2021. Collection method: clinical testing. Allele origin: germline.
Comment: Identified in at least one patient with dilated cardiomyopathy (DCM) (PMID: 32998006); Nonsense variant predicted to result in protein truncation or nonsense mediated decay in a gene for which loss of function is a known mechanism of disease; Located in the A-band region of TTN in which the majority of loss of function variants have been associated with autosomal dominant titinopathies (PMID: 22335739); Not observed at significant frequency in large population cohorts (gnomAD); This variant is associated with the following publications: (PMID: 22335739, 32998006)

Labcorp Genetics (formerly Invitae), Labcorp
Classification: Likely pathogenic for Dilated cardiomyopathy 1G; Autosomal recessive limb-girdle muscular dystrophy type 2J. Last evaluated: 2024-09-29. Review status: criteria provided, single submitter. Criteria: Invitae Variant Classification Sherloc (09022015). Collection method: clinical testing. Allele origin: germline.
Comment: This sequence change creates a premature translational stop signal (p.Tyr26999*) in the TTN gene. While this is not anticipated to result in nonsense mediated decay, it is expected to create a truncated TTN protein. This variant is not present in population databases (gnomAD no frequency). This premature translational stop signal has been observed in individual(s) with dilated cardiomyopathy (PMID: 32998006). ClinVar contains an entry for this variant (Variation ID: 165810). This variant is located in the A band of TTN (PMID: 25589632). Truncating variants in this region are significantly overrepresented in patients affected with dilated cardiomyopathy (PMID: 25589632). Truncating variants in this region have also been reported in individuals affected with autosomal recessive centronuclear myopathy (PMID: 23975875). In summary, the currently available evidence indicates that the variant is pathogenic, but additional data are needed to prove that conclusively. Therefore, this variant has been classified as Likely Pathogenic.

Illumina Laboratory Services, Illumina
Classification: Likely pathogenic for Dilated cardiomyopathy 1G. Last evaluated: 2023-05-11. Review status: criteria provided, single submitter. Criteria: ICSLVariantClassificationCriteria RUGD 01 April 2020. Collection method: clinical testing. Allele origin: unknown.
Comment: The TTN c.80997_81012del (p.Tyr26999Ter) nonsense variant results in the loss of normal protein function through either protein truncation or nonsense-mediated mRNA decay. This variant is located in exon 326 of the meta transcript of titin within the A-band, which is highly expressed in cardiac tissue (PMID: 25589632). In a meta-analysis of TTN truncating variants in individuals with dilated cardiomyopathy (DCM) and controls, variants in this region were associated with a significantly increased risk of developing DCM (odds ratio 49.8) (PMID: 27869827). This variant has been previously identified in at least one individual with non-ischemic DCM (PMID: 32998006). This variant has not been observed in version 2.1.1 or version 3.1.2 of the Genome Aggregation Database. This variant has been classified as likely pathogenic by at least three submitters in ClinVar. Based on the available evidence, the c.80997_81012del (p.Tyr26999Ter) variant is classified as likely pathogenic for dilated cardiomyopathy.

Ambry Genetics
Classification: Likely pathogenic for Cardiovascular phenotype. Last evaluated: 2020-07-28. Review status: criteria provided, single submitter. Criteria: Ambry Variant Classification Scheme 2023. Collection method: clinical testing. Allele origin: germline.
Comment: The c.53802_53817del16 variant, located in coding exon 153 of the TTN gene, results from a deletion of 16 nucleotides at nucleotide positions 53802 to 53817. This changes the amino acid at position 17934 from a tyrosine to a stop codon (p.Y17934*). This exon is located in the A-band region of the N2-B isoform of the titin protein and is constitutively expressed in TTN transcripts (percent spliced in or PSI 100%). This alteration is expected to result in loss of function by premature protein truncation or nonsense-mediated mRNA decay. While truncating variants in TTN are present in 1-3% of the general population, truncating variants in the A-band are the most common cause of dilated cardiomyopathy (DCM) (Herman DS et al. N. Engl. J. Med., 2012 Feb;366:619-28; Roberts AM et al. Sci Transl Med, 2015 Jan;7:270ra6). TTN truncating variants encoded in constitutive exons (PSI >90%) have been found to be significantly associated with DCM regardless of their position in titin (Schafer S et al. Nat. Genet., 2017 01;49:46-53). As such, this alteration is classified as likely pathogenic.

Eurofins Ntd Llc (ga)
Classification: Likely pathogenic. Last evaluated: 2017-01-26. Review status: criteria provided, single submitter. Criteria: EGL Classification Definitions 2015. Collection method: clinical testing. Allele origin: germline. Observed: 1 variant allele, 1 heterozygote.

Labcorp Genetics (formerly Invitae), Labcorp
Classification: Likely pathogenic for Dilated cardiomyopathy 1G. Last evaluated: 2016-04-03. Review status: criteria provided, single submitter. Criteria: Invitae Variant Classification Sherloc (09022015). Collection method: clinical testing. Allele origin: germline.
Comment: This sequence change deletes 16 nucleotides from exon 326 of the TTN mRNA (c.80997_81012del16), causing a frameshift at codon 26999. This creates a premature translational stop signal (p.Tyr26999*) and is expected to result in an absent or disrupted protein product. This variant is found in the A-band of this gene. While this particular variant has not been reported in the literature, truncating variants in the A-band of TTN are significantly overrepresented in patients with dilated cardiomyopathy and are considered to be likely pathogenic for the disease (PMID: 25589632). For these reasons, this variant has been classified as Likely Pathogenic.

Laboratory for Molecular Medicine, Mass General Brigham Personalized Medicine
Classification: Likely pathogenic for Primary dilated cardiomyopathy. Last evaluated: 2013-08-07. Review status: criteria provided, single submitter. Criteria: LMM Criteria. Collection method: clinical testing. Allele origin: germline. Inheritance: Autosomal dominant inheritance. Observed: 1 variant allele.
Comment: The Tyr24431X variant in TTN has not been reported in individuals with cardiomyo pathy. Data from large population studies is insufficient to assess the frequenc y of this variant. This nonsense variant results from a 16 base deletion and is predicted to lead to a truncated or absent protein. Nonsense and other truncatin g variants in TTN are strongly associated with DCM and the majority occur in the A-band (Herman 2012, LMM unpublished data), where this variant is located. In s ummary, this variant is likely to be pathogenic, though additional studies are r equired to fully establish its clinical significance.

Literature cited by the submitters: PubMed 32998006 (cited by Labcorp Genetics (formerly Invitae), Labcorp and Illumina Laboratory Services, Illumina); PubMed 25589632 (cited by Labcorp Genetics (formerly Invitae), Labcorp and Illumina Laboratory Services, Illumina); PubMed 23975875 (cited by Labcorp Genetics (formerly Invitae), Labcorp); PubMed 27869827 (cited by Illumina Laboratory Services, Illumina); PubMed 22335739 (cited by Eurofins Ntd Llc (ga)).

NM_001267550.2(TTN):c.80997_81012del (p.Ala26998_Tyr26999insTer)

Genes: TTN-AS1 (TTN antisense RNA 1; plus strand), TTN (titin; minus strand). Cytogenetic location: 2q31.2.
Variant type: Deletion.
Coding change: c.80997_81012del on transcript NM_001267550.2 (MANE Select); coding-DNA positions 80997 to 81012, 16 bases deleted (TACTGGTGGCTGCCAA).
Protein change: p.Ala26998_Tyr26999insTer.
Molecular consequence: nonsense (on NM_133378.4).
Genome position (GRCh38, 1-based): chr2:178,565,120-178,565,135, TTGGCAGCCACCAGTA deleted on the plus strand (TACTGGTGGCTGCCAA on the coding strand, the reverse complement: TTN is on the minus strand); deleting any 16 consecutive bases within chr2:178,565,120-178,565,136 gives the same sequence; the c. name uses the placement nearest the transcript's 3' end. VCF-style (leftmost placement, unchanged base first): chr2-178565119-TTTGGCAGCCACCAGTA-T. GRCh37 (hg19) VCF-style: chr2-179429846-TTTGGCAGCCACCAGTA-T.
Other names: c.53802_53817del16 (NM_003319.4); c.73293_73308del, p.Ala24430_Tyr24431insTer (NM_133378.4); c.76074_76089del, p.Ala25357_Tyr25358insTer (NM_001256850.1); c.53802_53817del, p.Ala17933_Tyr17934insTer (NM_003319.4); c.54177_54192del, p.Ala18058_Tyr18059insTer (NM_133432.3); c.54378_54393del, p.Ala18125_Tyr18126insTer (NM_133437.4); c.80997_81012del (NM_001267550.1); c.80997_81012delTACTGGTGGCTGCCAA (NM_001267550.2).
Identifiers: ClinVar variation 165810 (VCV000165810.20), dbSNP rs727503559, ClinGen allele CA273254.
Genomic context (GRCh38, chr2:178,565,119, plus strand): 5'-CTGATACCATGTGCCAAGTGGTGGTGGTTGTATCTCGCTTCTCTACAATGTAGTTGCTTA[TTTGGCAGCCACCAGTA>T]TAGGCTGGAGGTTCCCAAGATATGACTACAAAGTCTGCACTAACTTCATCAAACCGAACT-3'